The following is an entry in ClinVar:

NM_006514.4(SCN10A):c.2617G>A (p.Val873Met)

Gene: SCN10A (sodium voltage-gated channel alpha subunit 10; minus strand). Cytogenetic location: 3p22.2.
Variant type: single nucleotide variant.
Coding change: c.2617G>A on transcript NM_006514.4 (MANE Select); coding-DNA position 2617, G replaced by A.
Protein change: p.Val873Met; replaces valine 873 with methionine.
Molecular consequence: missense variant.
Genome position (GRCh38, 1-based): chr3:38,728,565, C>T on the plus strand (G>A on the coding strand, the complement: SCN10A is on the minus strand). VCF-style: chr3-38728565-C-T. GRCh37 (hg19) VCF-style: chr3-38770056-C-T.
Other names: p.Val873Met; c.2617G>A (NM_006514.2); c.2617G>A, p.Val873Met (NM_001293306.2); c.2323G>A, p.Val775Met (NM_001293307.2); short protein forms V775M, V873M.
Identifiers: ClinVar variation 641909 (VCV000641909.10), dbSNP rs764470746, ClinGen allele CA2320501.

ClinVar aggregate classification (germline): Conflicting classifications of pathogenicity. Review status: criteria provided, conflicting classifications (1 of 4 stars). 4 submissions from 4 submitters: Uncertain significance (3); Likely benign (1). Last evaluated 2026-02-04.

Conditions:
Brugada syndrome. Also called: Sudden unexplained nocturnal death syndrome; Sudden unexpected nocturnal death syndrome; Sudden Unexplained Death Syndrome; Sudden Unexplained Nocturnal Death Syndrome (SUNDS). Identifiers: Orphanet 130, MedGen C1142166, MONDO:0015263.
Cardiovascular phenotype. Identifiers: MedGen CN230736.

Allele frequency attached by ClinVar (database versions not stated): ExAC 0.00001; gnomAD exomes 0.00001; gnomAD 0.00003 and 0.00004; TOPMed 0.00003.
gnomAD v4.1: 36 of 1,595,500 alleles (0.0023%); highest among the groups gnomAD compares: Non-Finnish European, 0.003%; no homozygotes.

Submissions (4):

Ambry Genetics
Classification: Likely benign for Cardiovascular phenotype. Last evaluated: 2026-02-04. Review status: criteria provided, single submitter. Criteria: Ambry Variant Classification Scheme 2023. Collection method: clinical testing. Allele origin: germline.

GeneDx
Classification: Uncertain significance. Last evaluated: 2025-12-11. Review status: criteria provided, single submitter. Criteria: GeneDx Variant Classification Process June 2021. Collection method: clinical testing. Allele origin: germline. Affected: yes.
Comment: Has been identified in an infant with sudden unexplained infant death; however additional clinical data were unavailable (PMID: 38895864); Not observed at significant frequency in large population cohorts (gnomAD); In silico analysis supports that this missense variant has a deleterious effect on protein structure/function; This variant is associated with the following publications: (PMID: 38895864)

Labcorp Genetics (formerly Invitae), Labcorp
Classification: Uncertain significance for Brugada syndrome. Last evaluated: 2025-10-21. Review status: criteria provided, single submitter. Criteria: Invitae Variant Classification Sherloc (09022015). Collection method: clinical testing. Allele origin: germline.
Comment: This sequence change replaces valine, which is neutral and non-polar, with methionine, which is neutral and non-polar, at codon 873 of the SCN10A protein (p.Val873Met). This variant is present in population databases (rs764470746, gnomAD 0.003%). This missense change has been observed in individual(s) with sudden infant death (PMID: 38895864). ClinVar contains an entry for this variant (Variation ID: 641909). Invitae Evidence Modeling of protein sequence and biophysical properties (such as structural, functional, and spatial information, amino acid conservation, physicochemical variation, residue mobility, and thermodynamic stability) indicates that this missense variant is not expected to disrupt SCN10A protein function with a negative predictive value of 80%. In summary, the available evidence is currently insufficient to determine the role of this variant in disease. Therefore, it has been classified as a Variant of Uncertain Significance.

Mayo Clinic Laboratories, Mayo Clinic
Classification: Uncertain significance. Last evaluated: 2022-04-18. Review status: criteria provided, single submitter. Criteria: ACMG Guidelines, 2015. Collection method: clinical testing. Allele origin: germline. Observed: 1 variant allele.
Comment: BS2, PP3

Literature cited by the submitters: PubMed 38895864 (cited by Labcorp Genetics (formerly Invitae), Labcorp).